The following is an entry in ClinVar:

NM_173354.5(SIK1):c.1967A>G (p.Glu656Gly)

Gene: SIK1 (salt inducible kinase 1; minus strand). Cytogenetic location: 21q22.3.
Variant type: single nucleotide variant.
Coding change: c.1967A>G on transcript NM_173354.5 (MANE Select); coding-DNA position 1967, A replaced by G.
Protein change: p.Glu656Gly; replaces glutamic acid 656 with glycine.
Molecular consequence: missense variant.
Genome position (GRCh38, 1-based): chr21:43,417,552, T>C on the plus strand (A>G on the coding strand, the complement: SIK1 is on the minus strand). VCF-style: chr21-43417552-T-C. GRCh37 (hg19) VCF-style: chr21-44837432-T-C.
Other names: short protein forms E656G.
Identifiers: ClinVar variation 2985363 (VCV002985363.3), dbSNP rs2516964408, ClinGen allele CA410606940.

ClinVar aggregate classification (germline): Uncertain significance (1 of 4 stars; one submission).

Conditions:
Developmental and epileptic encephalopathy, 30 (DEE30). Also called: Epileptic encephalopathy, early infantile, 30. Identifiers: MedGen C4225360, MONDO:0014595, OMIM 616341.

Submission:

Labcorp Genetics (formerly Invitae), Labcorp
Classification: Uncertain significance for Developmental and epileptic encephalopathy, 30. Last evaluated: 2023-10-03. Review status: criteria provided, single submitter. Criteria: Invitae Variant Classification Sherloc (09022015). Collection method: clinical testing. Allele origin: germline.
Comment: This sequence change replaces glutamic acid, which is acidic and polar, with glycine, which is neutral and non-polar, at codon 656 of the SIK1 protein (p.Glu656Gly). This variant is not present in population databases (gnomAD no frequency). This variant has not been reported in the literature in individuals affected with SIK1-related conditions. Advanced modeling of protein sequence and biophysical properties (such as structural, functional, and spatial information, amino acid conservation, physicochemical variation, residue mobility, and thermodynamic stability) performed at Invitae indicates that this missense variant is not expected to disrupt SIK1 protein function. In summary, the available evidence is currently insufficient to determine the role of this variant in disease. Therefore, it has been classified as a Variant of Uncertain Significance.